The following is an entry in ClinVar:

NM_000038.6(APC):c.607C>T (p.Gln203Ter)

Gene: APC (APC regulator of Wnt signaling pathway; plus strand). Cytogenetic location: 5q22.2.
Variant type: single nucleotide variant.
Coding change: c.607C>T on transcript NM_000038.6 (MANE Select); coding-DNA position 607, C replaced by T.
Protein change: p.Gln203Ter; replaces glutamine 203 with a stop codon.
Molecular consequence: nonsense. On other transcripts: 5 prime UTR variant (1).
Genome position (GRCh38, 1-based): chr5:112,780,865, C>T. VCF-style: chr5-112780865-C-T. GRCh37 (hg19) VCF-style: chr5-112116562-C-T.
Other names: c.637C>T, p.Gln213Ter (NM_001354902.2, NM_001127511.3, NM_001354897.2); c.607C>T, p.Gln203Ter (NM_001354903.2, NM_001127510.3, NM_001354895.2 and 2 more transcripts); c.532C>T, p.Gln178Ter (NM_001354904.2, NM_001354898.2); c.430C>T, p.Gln144Ter (NM_001354905.2, NM_001354900.2, NM_001354901.2); c.-429C>T (NM_001354906.2); short protein forms Q203*, Q213*, Q144*, Q178*.
Identifiers: ClinVar variation 428106 (VCV000428106.16), dbSNP rs141576417, ClinGen allele CA16022667.

ClinVar aggregate classification (germline): Pathogenic. Review status: criteria provided, multiple submitters, no conflicts (2 of 4 stars). 3 submissions from 3 submitters: Pathogenic (3). Last evaluated 2026-07-27.

Conditions:
Hereditary cancer-predisposing syndrome. Also called: Neoplastic Syndromes, Hereditary; Hereditary neoplastic syndrome; Hereditary Cancer Syndrome; Tumor predisposition. Identifiers: Orphanet 140162, MedGen C0027672, MeSH D009386, MONDO:0015356.
Familial adenomatous polyposis 1 (FAP1). Also called: POLYPOSIS, ADENOMATOUS INTESTINAL; FAMILIAL ADENOMATOUS POLYPOSIS 1, ATTENUATED. Identifiers: MedGen C2713442, MONDO:0021056, OMIM 175100. Disease mechanism: loss of function.

Submissions (3):

Ambry Genetics
Classification: Pathogenic for Hereditary cancer-predisposing syndrome. Last evaluated: 2026-07-27. Review status: criteria provided, single submitter. Criteria: Ambry Variant Classification Scheme 2023. Collection method: clinical testing. Allele origin: germline.
Comment: The p.Q203* pathogenic mutation (also known as c.607C>T), located in coding exon 5 of the APC gene, results from a C to T substitution at nucleotide position 607. This changes the amino acid from a glutamine to a stop codon within coding exon 5. This variant was reported in individual(s) with features consistent with APC-related familial adenomatous polyposis (Kanter-Smoler, G et al. BMC Med. 2008 Apr 24;6:10; Castellsagu&eacute; E, et al. Gastroenterology 2010 Aug; 139(2):439-47). This variant is considered to be rare based on population cohorts in the Genome Aggregation Database (gnomAD). This variant is expected to result in loss of function by premature protein truncation or nonsense-mediated mRNA decay. As such, this variant is interpreted as a disease-causing mutation.

Labcorp Genetics (formerly Invitae), Labcorp
Classification: Pathogenic for Familial adenomatous polyposis 1. Last evaluated: 2025-08-26. Review status: criteria provided, single submitter. Criteria: Invitae Variant Classification Sherloc (09022015). Collection method: clinical testing. Allele origin: germline.
Comment: This sequence change creates a premature translational stop signal (p.Gln203*) in the APC gene. It is expected to result in an absent or disrupted protein product. Loss-of-function variants in APC are known to be pathogenic (PMID: 17963004, 20685668). This variant is not present in population databases (gnomAD no frequency). This premature translational stop signal has been observed in individual(s) with familial adenomatous polyposis (PMID: 18433509). ClinVar contains an entry for this variant (Variation ID: 428106). For these reasons, this variant has been classified as Pathogenic.

Myriad Genetics, Inc.
Classification: Pathogenic for Familial adenomatous polyposis 1. Last evaluated: 2023-04-27. Review status: criteria provided, single submitter. Criteria: Myriad Autosomal Dominant, Autosomal Recessive and X-Linked Classification Criteria (2023). Collection method: clinical testing. Allele origin: unknown.
Comment: This variant is considered pathogenic. This variant creates a termination codon and is predicted to result in premature protein truncation.

Literature cited by the submitters: PubMed 20434453 (cited by Ambry Genetics); PubMed 17963004 (cited by Labcorp Genetics (formerly Invitae), Labcorp); PubMed 20685668 (cited by Labcorp Genetics (formerly Invitae), Labcorp); PubMed 18433509 (cited by Labcorp Genetics (formerly Invitae), Labcorp).